The following is an entry in ClinVar:

ClinVar aggregate classification (germline): Uncertain significance (1 of 4 stars; one submission).

Allele frequency attached by ClinVar (database versions not stated): ExAC 0.00001; gnomAD 0.00001; TOPMed 0.00002; ESP Exome Variant Server 0.00008.

Submission:

Labcorp Genetics (formerly Invitae), Labcorp
Classification: Uncertain significance. Last evaluated: 2023-12-02. Review status: criteria provided, single submitter. Criteria: Invitae Variant Classification Sherloc (09022015). Collection method: clinical testing. Allele origin: germline.
Comment: This sequence change falls in intron 27 of the KMT2A gene. It does not directly change the encoded amino acid sequence of the KMT2A protein. This variant is present in population databases (rs370779303, gnomAD 0.008%). This variant has not been reported in the literature in individuals affected with KMT2A-related conditions. Algorithms developed to predict the effect of sequence changes on RNA splicing suggest that this variant may disrupt the consensus splice site. In summary, the available evidence is currently insufficient to determine the role of this variant in disease. Therefore, it has been classified as a Variant of Uncertain Significance.

NM_001197104.2(KMT2A):c.10755-10T>C

Gene: KMT2A (lysine methyltransferase 2A; plus strand). Cytogenetic location: 11q23.3.
Variant type: single nucleotide variant.
Coding change: c.10755-10T>C on transcript NM_001197104.2 (MANE Select); 10 bases into the intron before coding-DNA position 10755, T replaced by C.
Molecular consequence: intron variant.
Genome position (GRCh38, 1-based): chr11:118,507,519, T>C. VCF-style: chr11-118507519-T-C. GRCh37 (hg19) VCF-style: chr11-118378234-T-C.
Other names: c.10845-10T>C (NM_001412597.1); c.10746-10T>C (NM_005933.4).
Identifiers: ClinVar variation 2992940 (VCV002992940.3), dbSNP rs370779303, ClinGen allele CA6304817.